The following is an entry in ClinVar:

ClinVar aggregate classification (germline): Uncertain significance (1 of 4 stars; one submission).

Conditions:
Nephronophthisis. Also called: Juvenile Nephronophthisis. Identifiers: Orphanet 655, MedGen C0687120, MONDO:0019005, HP:0000090.

Allele frequency attached by ClinVar (database versions not stated): gnomAD exomes below 0.00001.
gnomAD v4.1: 1 of 1,613,574 alleles (0.000062%); highest among the groups gnomAD compares: African/African-American, 0.0013%; no homozygotes.

Submission:

Labcorp Genetics (formerly Invitae), Labcorp
Classification: Uncertain significance for Nephronophthisis. Last evaluated: 2025-06-05. Review status: criteria provided, single submitter. Criteria: Invitae Variant Classification Sherloc (09022015). Collection method: clinical testing. Allele origin: germline.
Comment: This sequence change replaces aspartic acid, which is acidic and polar, with glutamic acid, which is acidic and polar, at codon 1131 of the NPHP4 protein (p.Asp1131Glu). This variant is not present in population databases (gnomAD no frequency). This variant has not been reported in the literature in individuals affected with NPHP4-related conditions. ClinVar contains an entry for this variant (Variation ID: 1052238). Invitae Evidence Modeling of protein sequence and biophysical properties (such as structural, functional, and spatial information, amino acid conservation, physicochemical variation, residue mobility, and thermodynamic stability) indicates that this missense variant is expected to disrupt NPHP4 protein function with a positive predictive value of 80%. In summary, the available evidence is currently insufficient to determine the role of this variant in disease. Therefore, it has been classified as a Variant of Uncertain Significance.

NM_015102.5(NPHP4):c.3393C>A (p.Asp1131Glu)

Gene: NPHP4 (nephrocystin 4; minus strand). Cytogenetic location: 1p36.31.
Variant type: single nucleotide variant.
Coding change: c.3393C>A on transcript NM_015102.5 (MANE Select); coding-DNA position 3393, C replaced by A.
Protein change: p.Asp1131Glu; replaces aspartic acid 1131 with glutamic acid.
Molecular consequence: missense variant. On other transcripts: non-coding transcript variant (1).
Genome position (GRCh38, 1-based): chr1:5,867,819, G>T on the plus strand (C>A on the coding strand, the complement: NPHP4 is on the minus strand). VCF-style: chr1-5867819-G-T. GRCh37 (hg19) VCF-style: chr1-5927879-G-T.
Other names: c.1854C>A, p.Asp618Glu (NM_001291593.2); c.1857C>A, p.Asp619Glu (NM_001291594.2); short protein forms D1131E, D618E, D619E.
Identifiers: ClinVar variation 1052238 (VCV001052238.9), dbSNP rs2100468544, ClinGen allele CA338052342.